The following is an entry in ClinVar:

NM_001805.4(CEBPE):c.586G>A (p.Gly196Ser)

Gene: CEBPE (CCAAT enhancer binding protein epsilon; minus strand). Cytogenetic location: 14q11.2.
Variant type: single nucleotide variant.
Coding change: c.586G>A on transcript NM_001805.4 (MANE Select); coding-DNA position 586, G replaced by A.
Protein change: p.Gly196Ser; replaces glycine 196 with serine.
Molecular consequence: missense variant.
Genome position (GRCh38, 1-based): chr14:23,117,747, C>T on the plus strand (G>A on the coding strand, the complement: CEBPE is on the minus strand). VCF-style: chr14-23117747-C-T. GRCh37 (hg19) VCF-style: chr14-23586956-C-T.
Other names: short protein forms G196S.
Identifiers: ClinVar variation 1414319 (VCV001414319.4), dbSNP rs147384349, ClinGen allele CA7111143.

ClinVar aggregate classification (germline): Uncertain significance. Review status: criteria provided, multiple submitters, no conflicts (2 of 4 stars). 2 submissions from 2 submitters: Uncertain significance (2). Last evaluated 2026-05-29.

Conditions:
Specific granule deficiency. Identifiers: Orphanet 169142, MedGen C0398593, MONDO:0009506.

Allele frequency attached by ClinVar (database versions not stated): gnomAD exomes 0.00002 and 0.00008; gnomAD 0.00002; TOPMed 0.00004; ExAC 0.00005; ESP Exome Variant Server 0.00008.

Submissions (2):

Women's Health and Genetics/Laboratory Corporation of America, LabCorp
Classification: Uncertain significance. Last evaluated: 2026-05-29. Review status: criteria provided, single submitter. Criteria: LabCorp Variant Classification Summary - May 2015. Collection method: clinical testing. Allele origin: germline.
Comment: Variant summary: CEBPE c.586G>A (p.Gly196Ser) results in a non-conservative amino acid change in the encoded protein sequence. Algorithms developed to predict the effect of missense changes on protein structure and function are either unavailable or do not agree on the potential impact of this missense change. The variant allele was found at a frequency of 7.6e-05 in 250712 control chromosomes. This frequency is not significantly higher than estimated for disease-causing variants in CEBPE, allowing no conclusion about variant significance. To our knowledge, no occurrence of c.586G>A in individuals affected with CEBPE-related conditions and no experimental evidence demonstrating its impact on protein function have been reported. ClinVar contains an entry for this variant (Variation ID: 1414319). Based on the evidence outlined above, the variant was classified as uncertain significance.

Labcorp Genetics (formerly Invitae), Labcorp
Classification: Uncertain significance for Specific granule deficiency. Last evaluated: 2021-10-03. Review status: criteria provided, single submitter. Criteria: Invitae Variant Classification Sherloc (09022015). Collection method: clinical testing. Allele origin: germline.
Comment: This sequence change replaces glycine with serine at codon 196 of the CEBPE protein (p.Gly196Ser). The glycine residue is highly conserved and there is a small physicochemical difference between glycine and serine. This variant is present in population databases (rs147384349, ExAC 0.04%). This variant has not been reported in the literature in individuals with CEBPE-related conditions. Algorithms developed to predict the effect of missense changes on protein structure and function (SIFT, PolyPhen-2, Align-GVGD) all suggest that this variant is likely to be tolerated, but these predictions have not been confirmed by published functional studies and their clinical significance is uncertain. In summary, the available evidence is currently insufficient to determine the role of this variant in disease. Therefore, it has been classified as a Variant of Uncertain Significance.